The following is an entry in ClinVar:

ClinVar aggregate classification (germline): Uncertain significance (1 of 4 stars; one submission).

Conditions:
Polycystic kidney disease 3 with or without polycystic liver disease. Also called: Polycystic kidney disease 3; POLYCYSTIC KIDNEY DISEASE, ADULT, TYPE III; Polycystic Kidney and/or Polycystic Liver Disease 3. Identifiers: MedGen C3887964, MONDO:0010916, OMIM 600666.

gnomAD v4.1: 3 of 1,613,332 alleles (0.00019%); highest among the groups gnomAD compares: Non-Finnish European, 0.00025%; no homozygotes.

Submission:

MVZ Medizinische Genetik Mainz
Classification: Uncertain significance for Polycystic kidney disease 3 with or without polycystic liver disease. Last evaluated: 2026-10-07. Review status: criteria provided, single submitter. Criteria: UK Practice Guidelines For Variant Classification V4 01 2020. Collection method: clinical testing. Allele origin: germline. Inheritance: Autosomal dominant inheritance. Affected: yes. Observed: 1 variant allele.
Comment: ACMG Criteria: PP3_STR,PM2_SUP

NM_198334.3(GANAB):c.1165C>T (p.Pro389Ser)

Gene: GANAB (glucosidase II alpha subunit; minus strand). Cytogenetic location: 11q12.3.
Variant type: single nucleotide variant.
Coding change: c.1165C>T on transcript NM_198334.3 (MANE Select); coding-DNA position 1165, C replaced by T.
Protein change: p.Pro389Ser; replaces proline 389 with serine.
Molecular consequence: missense variant.
Genome position (GRCh38, 1-based): chr11:62,630,822, G>A on the plus strand (C>T on the coding strand, the complement: GANAB is on the minus strand). VCF-style: chr11-62630822-G-A. GRCh37 (hg19) VCF-style: chr11-62398294-G-A.
Other names: c.889C>T, p.Pro297Ser (NM_001278192.2); c.823C>T, p.Pro275Ser (NM_001278193.2); c.874C>T, p.Pro292Ser (NM_001278194.2, NM_001329222.2, NM_001329223.2); c.442C>T, p.Pro148Ser (NM_001329224.2, NM_001329225.2); c.1231C>T, p.Pro411Ser (NM_198335.4); short protein forms P148S, P275S, P292S, P297S, P389S, P411S.
Identifiers: ClinVar variation 5038175 (VCV005038175.1).
Genomic context (GRCh38, chr11:62,630,822, plus strand): 5'-CATCAGCCTCGTCCCGGTAGTTCCAACGGCTCTGGTGGTAGCCGAGGGAGAAGAGTGGGG[G>A]CAACGCCTGGGTTCCTGCAGGTTCATGAGGGATGGGGGTCACAACGAGGATCAGGCCCAA-3'
Protein context (NP_938148.1, residues 379-399): YASLTGTQAL[Pro389Ser]PLFSLGYHQS